The following is an entry in ClinVar:

ClinVar aggregate classification (germline): Likely benign (1 of 4 stars; one submission).

Conditions:
Marfan syndrome (MFS). Also called: MARFAN SYNDROME, TYPE I; Marfan syndrome type 1; Marfan's syndrome; Marfan syndrome, classic; FBN1-Related Marfan Syndrome. Identifiers: Orphanet 284963, Orphanet 558, MedGen C0024796, MONDO:0007947, OMIM 154700.

Submission:

All of Us Research Program, National Institutes of Health
Classification: Likely benign for Marfan syndrome. Last evaluated: 2023-12-13. Review status: criteria provided, single submitter. Criteria: ACMG Guidelines, 2015. Collection method: clinical testing. Allele origin: germline. Inheritance: Autosomal dominant inheritance. Observed: 1 variant allele, 1 heterozygote.
Comment: This study involves interpretation of variants in research participants for the purpose of population health screening. Participant phenotype was not available at the time of variant classification. Additional details can be found in publication PMID: 35346344, PMCID: PMC8962531

NM_000138.5(FBN1):c.347-5dup

Gene: FBN1 (fibrillin 1; minus strand). Cytogenetic location: 15q21.1.
Variant type: Duplication.
Coding change: c.347-5dup on transcript NM_000138.5 (MANE Select); 5 bases into the intron before coding-DNA position 347, one base duplicated (T; older notation c.347-5dupT).
Molecular consequence: intron variant.
Genome position (GRCh38, 1-based): chr15:48,600,239, A duplicated on the plus strand (T on the coding strand, the reverse complement: FBN1 is on the minus strand); the first of 8 consecutive A bases (chr15:48,600,239-48,600,246); duplicating any one gives the same sequence. VCF-style (leftmost placement, unchanged base first): chr15-48600238-G-GA. GRCh37 (hg19) VCF-style: chr15-48892435-G-GA.
Other names: c.347-5dup (NM_001406716.1, NM_001406717.1).
Identifiers: ClinVar variation 3074973 (VCV003074973.1), dbSNP rs561135562, ClinGen allele CA7547955.
Genomic context (GRCh38, chr15:48,600,238, plus strand): 5'-GACAGTGATCGTCACTGCAGCTACCTCCATTCATACAGCGAATATTGCAGTGTTGTACTT[G>GA]AAAAAAAAGAAGAAGAATTCACTTTTGCAACTTAAATGCATAGATTGCAACAGCTCACAG-3'